The following is an entry in ClinVar:

NM_000238.4(KCNH2):c.2648G>C (p.Arg883Pro)

Gene: KCNH2 (potassium voltage-gated channel subfamily H member 2; minus strand). Cytogenetic location: 7q36.1.
Variant type: single nucleotide variant.
Coding change: c.2648G>C on transcript NM_000238.4 (MANE Select); coding-DNA position 2648, G replaced by C.
Protein change: p.Arg883Pro; replaces arginine 883 with proline.
Molecular consequence: missense variant. On other transcripts: non-coding transcript variant (2).
Genome position (GRCh38, 1-based): chr7:150,948,488, C>G on the plus strand (G>C on the coding strand, the complement: KCNH2 is on the minus strand). VCF-style: chr7-150948488-C-G. GRCh37 (hg19) VCF-style: chr7-150645576-C-G.
Other names: c.2360G>C, p.Arg787Pro (NM_001406753.1); c.1628G>C, p.Arg543Pro (NM_172057.3); short protein forms R543P, R787P, R883P.
Identifiers: ClinVar variation 3386889 (VCV003386889.1).

ClinVar aggregate classification (germline): Uncertain significance (1 of 4 stars; one submission).

Conditions:
Long QT syndrome (LQTS). Identifiers: MedGen C0023976, MeSH D008133, MONDO:0002442. Disease mechanism: loss of function. Inheritance: Various modes of inheritance.

gnomAD v4.1: 2 of 1,612,998 alleles (0.00012%); highest among the groups gnomAD compares: Non-Finnish European, 0.00017%; no homozygotes.

Submission:

All of Us Research Program, National Institutes of Health
Classification: Uncertain significance for Long QT syndrome. Last evaluated: 2024-03-24. Review status: criteria provided, single submitter. Criteria: ACMG Guidelines, 2015. Collection method: clinical testing. Allele origin: germline. Inheritance: Autosomal dominant inheritance. Observed: 1 variant allele, 1 heterozygote.
Comment: This missense variant replaces arginine with proline at codon 883 of the KCNH2 protein. Computational prediction is inconclusive regarding the impact of this variant on protein structure and function (internally defined REVEL score threshold 0.5 < inconclusive < 0.7, PMID: 27666373). To our knowledge, functional studies have not been reported for this variant. This variant has not been reported in individuals affected with KCNH2-related disorders in the literature. This variant has not been identified in the general population by the Genome Aggregation Database (gnomAD). The available evidence is insufficient to determine the role of this variant in disease conclusively. Therefore, this variant is classified as a Variant of Uncertain Significance.

This study involves interpretation of variants in research participants for the purpose of population health screening. Participant phenotype was not available at the time of variant classification. Additional details can be found in publication PMID: 35346344, PMCID: PMC8962531